The following is an entry in ClinVar:

NM_000202.8(IDS):c.103+4C>T

Gene: IDS (iduronate 2-sulfatase; minus strand). Cytogenetic location: Xq28.
Variant type: single nucleotide variant.
Coding change: c.103+4C>T on transcript NM_000202.8 (MANE Select); 4 bases into the intron after coding-DNA position 103, C replaced by T.
Molecular consequence: intron variant.
Genome position (GRCh38, 1-based): chrX:149,505,031, G>A on the plus strand (C>T on the coding strand, the complement: IDS is on the minus strand). VCF-style: chrX-149505031-G-A. GRCh37 (hg19) VCF-style: chrX-148586561-G-A.
Other names: c.-124+4C>T (NM_001166550.4); c.103+4C>T (NM_006123.5).
Identifiers: ClinVar variation 3348238 (VCV003348238.3).
Genomic context (GRCh38, chrX:149,505,031, plus strand): 5'-AAGGAAGGAGGAAGGAAGGGAGGGAGGAAGGGAGAAGAGATGGCAGGGAGGGCGTGGGCG[G>A]CACCTGTGGTCGAGTTGGCCTGCGTTTCGGATCCGAGGGCGACGCAGACGGAGCTCAGAA-3'

ClinVar aggregate classification (germline): Uncertain significance. Review status: criteria provided, multiple submitters, no conflicts (2 of 4 stars). 2 submissions from 2 submitters: Uncertain significance (2). Last evaluated 2025-12-04.

Conditions:
IDS-related disorder. Also called: IDS-related condition.

gnomAD v4.1: 2 of 1,193,114 alleles (0.00017%); highest among the groups gnomAD compares: Non-Finnish European, 0.00023%; no homozygotes.

Submissions (2):

Women's Health and Genetics/Laboratory Corporation of America, LabCorp
Classification: Uncertain significance. Last evaluated: 2025-12-04. Review status: criteria provided, single submitter. Criteria: LabCorp Variant Classification Summary - May 2015. Collection method: clinical testing. Allele origin: germline.
Comment: Variant summary: IDS c.103+4C>T alters a nucleotide located close to a canonical splice site and therefore could affect mRNA splicing, leading to a significantly altered protein sequence. Several computational tools predict a significant impact on normal splicing: One predicts the variant abolishes a 5' splicing donor site. Two predict the variant weakens a 5' donor site. However, these predictions have yet to be confirmed by functional studies. The variant was absent in 178114 control chromosomes (gnomAD). The available data on variant occurrences in the general population are insufficient to allow any conclusion about variant significance. To our knowledge, no occurrence of c.103+4C>T in individuals affected with IDS-related conditions and no experimental evidence demonstrating its impact on protein function have been reported. ClinVar contains an entry for this variant (Variation ID: 3348238). Based on the evidence outlined above, the variant was classified as uncertain significance.

PreventionGenetics, part of Exact Sciences
Classification: Uncertain significance for IDS-related condition. Last evaluated: 2025-08-15. Review status: criteria provided, single submitter. Criteria: ACMG Guidelines, 2015. Collection method: clinical testing. Allele origin: germline.
Comment: The IDS c.103+4C>T variant is predicted to interfere with splicing. To our knowledge, this variant has not been reported in the literature or in a large population database, indicating this variant is rare. At this time, the clinical significance of this variant is uncertain due to the absence of conclusive functional and genetic evidence.